The following is an entry in ClinVar:

NM_001042492.3(NF1):c.3063A>C (p.Val1021=)

Gene: NF1 (neurofibromin 1; plus strand). Cytogenetic location: 17q11.2.
Variant type: single nucleotide variant.
Coding change: c.3063A>C on transcript NM_001042492.3 (MANE Select); coding-DNA position 3063, A replaced by C.
Protein change: p.Val1021=; no amino-acid change (valine 1021 retained).
Molecular consequence: synonymous variant.
Genome position (GRCh38, 1-based): chr17:31,230,332, A>C. VCF-style: chr17-31230332-A-C. GRCh37 (hg19) VCF-style: chr17-29557350-A-C.
Other names: c.3063A>C, p.Val1021= (NM_000267.4).
Identifiers: ClinVar variation 237544 (VCV000237544.20), dbSNP rs768611775, ClinGen allele CA8486078.

ClinVar aggregate classification (germline): Benign/Likely benign. Review status: criteria provided, multiple submitters, no conflicts (2 of 4 stars). 8 submissions from 8 submitters: Benign (1); Likely benign (7). Last evaluated 2026-07-01.

Conditions:
Cardiovascular phenotype. Identifiers: MedGen CN230736.
Hereditary cancer-predisposing syndrome. Also called: Hereditary neoplastic syndrome; Hereditary Cancer Syndrome; Neoplastic Syndromes, Hereditary; Tumor predisposition. Identifiers: Orphanet 140162, MedGen C0027672, MeSH D009386, MONDO:0015356.
Neurofibromatosis, type 1 (NF1). Also called: Neurofibromatosis, type I; Peripheral type neurofibromatosis; VON RECKLINGHAUSEN DISEASE; NEUROFIBROMATOSIS, TYPE I, SOMATIC. Identifiers: Orphanet 636, MedGen C0027831, MONDO:0018975, OMIM 162200. Disease mechanism: loss of function.

Allele frequency attached by ClinVar (database versions not stated): TOPMed 0.00001; ExAC 0.00002; gnomAD exomes 0.00002 and 0.00003.
gnomAD v4.1: 44 of 1,613,550 alleles (0.0027%); highest among the groups gnomAD compares: Non-Finnish European, 0.0036%; no homozygotes.

Submissions (8):

CeGaT Center for Human Genetics Tuebingen
Classification: Likely benign. Last evaluated: 2026-07-01. Review status: criteria provided, single submitter. Criteria: CeGaT Center For Human Genetics Tuebingen Variant Classification Criteria Version 2. Collection method: clinical testing. Allele origin: germline. Affected: yes. Observed: 1 variant allele.
Comment: NF1: BP4, BP7

Myriad Genetics, Inc.
Classification: Benign for Neurofibromatosis, type 1. Last evaluated: 2026-05-20. Review status: criteria provided, single submitter. Criteria: Myriad Autosomal Dominant, Autosomal Recessive and X-Linked Classification Criteria (2023). Collection method: clinical testing. Allele origin: unknown.
Comment: This variant is considered benign. This variant is a silent/synonymous amino acid change and it is not expected to impact splicing.

Labcorp Genetics (formerly Invitae), Labcorp
Classification: Likely benign for Neurofibromatosis, type 1. Last evaluated: 2026-01-28. Review status: criteria provided, single submitter. Criteria: Invitae Variant Classification Sherloc (09022015). Collection method: clinical testing. Allele origin: germline.

Quest Diagnostics Nichols Institute San Juan Capistrano
Classification: Likely benign. Last evaluated: 2023-01-16. Review status: criteria provided, single submitter. Criteria: Quest Diagnostics criteria. Collection method: clinical testing. Allele origin: unknown.
Comment: Computational tools yielded predictions that this variant is unlikely to have an effect on normal RNA splicing. This nucleotide position exhibits low evolutionary conservation.

Genome-Nilou Lab
Classification: Likely benign for Neurofibromatosis, type 1. Last evaluated: 2022-03-15. Review status: criteria provided, single submitter. Criteria: ACMG Guidelines, 2015. Collection method: clinical testing. Allele origin: germline. Affected: no.

GeneDx
Classification: Likely benign. Last evaluated: 2019-01-17. Review status: criteria provided, single submitter. Criteria: GeneDx Variant Classification Process June 2021. Collection method: clinical testing. Allele origin: germline. Affected: yes.

PreventionGenetics, part of Exact Sciences
Classification: Likely benign. Last evaluated: 2018-01-10. Review status: criteria provided, single submitter. Criteria: ACMG Guidelines, 2015. Collection method: clinical testing. Allele origin: germline.

Ambry Genetics
Classification: Likely benign for Cardiovascular phenotype; Hereditary cancer-predisposing syndrome. Last evaluated: 2017-05-03. Review status: criteria provided, single submitter. Criteria: Ambry General Variant Classification Scheme_2022. Collection method: clinical testing. Allele origin: germline. Observed: 1 variant allele.